The following is an entry in ClinVar:

NM_000136.3(FANCC):c.542C>T (p.Ala181Val)

Genes: AOPEP (aminopeptidase O (putative); plus strand), FANCC (FA complementation group C; minus strand). Cytogenetic location: 9q22.32.
Variant type: single nucleotide variant.
Coding change: c.542C>T on transcript NM_000136.3 (MANE Select); coding-DNA position 542, C replaced by T.
Protein change: p.Ala181Val; replaces alanine 181 with valine.
Molecular consequence: missense variant.
Genome position (GRCh38, 1-based): chr9:95,150,067, G>A on the plus strand (C>T on the coding strand, the complement: FANCC is on the minus strand). VCF-style: chr9-95150067-G-A. GRCh37 (hg19) VCF-style: chr9-97912349-G-A.
Other names: p.A181V:GCG>GTG; c.542C>T, p.Ala181Val (NM_001243743.2, NM_001243744.2); short protein forms A181V.
Identifiers: ClinVar variation 127543 (VCV000127543.25), dbSNP rs182879858, ClinGen allele CA287220.

ClinVar aggregate classification (germline): Uncertain significance. Review status: criteria provided, multiple submitters, no conflicts (2 of 4 stars). 6 submissions from 6 submitters: Uncertain significance (5). 1 of the submissions does not count toward it. Last evaluated 2025-08-26.

Conditions:
Hereditary cancer-predisposing syndrome. Also called: Hereditary Cancer Syndrome; Hereditary neoplastic syndrome; Tumor predisposition; Neoplastic Syndromes, Hereditary. Identifiers: Orphanet 140162, MedGen C0027672, MeSH D009386, MONDO:0015356.
Fanconi anemia (FA). Also called: Fanconi's anemia. Identifiers: Orphanet 84, MedGen C0015625, MeSH D005199, MONDO:0019391.
Fanconi anemia complementation group C (FANCC). Also called: FANCONI PANCYTOPENIA, TYPE 3; FACC; FANCC-Related Fanconi Anemia; Fanconi anemia, group C. Identifiers: Orphanet 84, MedGen C3468041, MONDO:0009213, OMIM 227645.

Allele frequency attached by ClinVar (database versions not stated): ExAC 0.00001; gnomAD 0.00001; gnomAD exomes 0.00002 and 0.00004; TOPMed 0.00002.
gnomAD v4.1: 59 of 1,613,926 alleles (0.0037%); highest among the groups gnomAD compares: South Asian, 0.0088%; no homozygotes.

Submissions (6):

GeneDx
Classification: Uncertain significance. Last evaluated: 2025-08-26. Review status: criteria provided, single submitter. Criteria: GeneDx Variant Classification Process June 2021. Collection method: clinical testing. Allele origin: germline. Affected: yes.
Comment: In silico analysis suggests that this missense variant does not alter protein structure/function; Not observed at significant frequency in large population cohorts (gnomAD); This variant is associated with the following publications: (PMID: 32546565, 33471991, Gordon2000[Book])

Ambry Genetics
Classification: Uncertain significance for Hereditary cancer-predisposing syndrome. Last evaluated: 2024-03-27. Review status: criteria provided, single submitter. Criteria: Ambry Variant Classification Scheme 2023. Collection method: clinical testing. Allele origin: germline.
Comment: The p.A181V variant (also known as c.542C>T), located in coding exon 6 of the FANCC gene, results from a C to T substitution at nucleotide position 542. The alanine at codon 181 is replaced by valine, an amino acid with similar properties. This amino acid position is poorly conserved in available vertebrate species. In addition, this alteration is predicted to be tolerated by in silico analysis. Since supporting evidence is limited at this time, the clinical significance of this alteration remains unclear.

Quest Diagnostics Nichols Institute San Juan Capistrano
Classification: Uncertain significance. Last evaluated: 2023-08-11. Review status: criteria provided, single submitter. Criteria: Quest Diagnostics criteria. Collection method: clinical testing. Allele origin: unknown.
Comment: In a large-scale breast cancer association study, the variant was observed in individuals with breast cancer as well as in unaffected individuals (PMID: 33471991 (2021), see also LOVD). The frequency of this variant in the general population, 0.000016 (4/251358 chromosomes), is uninformative in assessment of its pathogenicity. Analysis of this variant using bioinformatics tools for the prediction of the effect of amino acid changes on protein structure and function yielded predictions that this variant is benign. Based on the available information, we are unable to determine the clinical significance of this variant.

Labcorp Genetics (formerly Invitae), Labcorp
Classification: Uncertain significance for Fanconi anemia. Last evaluated: 2022-06-27. Review status: criteria provided, single submitter. Criteria: Invitae Variant Classification Sherloc (09022015). Collection method: clinical testing. Allele origin: germline.
Comment: This sequence change replaces alanine, which is neutral and non-polar, with valine, which is neutral and non-polar, at codon 181 of the FANCC protein (p.Ala181Val). This variant is present in population databases (rs182879858, gnomAD 0.003%). This variant has not been reported in the literature in individuals affected with FANCC-related conditions. ClinVar contains an entry for this variant (Variation ID: 127543). Algorithms developed to predict the effect of missense changes on protein structure and function (SIFT, PolyPhen-2, Align-GVGD) all suggest that this variant is likely to be tolerated. In summary, the available evidence is currently insufficient to determine the role of this variant in disease. Therefore, it has been classified as a Variant of Uncertain Significance.

Illumina Laboratory Services, Illumina
Classification: Uncertain significance for Fanconi anemia complementation group C. Last evaluated: 2017-04-27. Review status: criteria provided, single submitter. Criteria: ICSL Variant Classification Criteria 13 December 2019. Collection method: clinical testing. Allele origin: germline.

Natera, Inc.
Classification: Uncertain significance for Fanconi anemia. Last evaluated: 2020-09-22. Review status: no assertion criteria provided. Collection method: clinical testing. Allele origin: germline. Not counted in ClinVar's aggregate classification.

Literature cited by the submitters: PubMed 33471991 (cited by Quest Diagnostics Nichols Institute San Juan Capistrano).